The following is an entry in ClinVar:

ClinVar aggregate classification (germline): Uncertain significance (1 of 4 stars; one submission).

Conditions:
Noonan syndrome 9 (NS9). Identifiers: Orphanet 648, MedGen C4225282, MONDO:0014691, OMIM 616559.

gnomAD v4.1: 1 of 1,604,052 alleles (0.000062%); highest among the groups gnomAD compares: Non-Finnish European, 0.000085%; no homozygotes.

Submission:

Labcorp Genetics (formerly Invitae), Labcorp
Classification: Uncertain significance for Noonan syndrome 9. Last evaluated: 2024-06-13. Review status: criteria provided, single submitter. Criteria: Invitae Variant Classification Sherloc (09022015). Collection method: clinical testing. Allele origin: germline.
Comment: This sequence change replaces glutamic acid, which is acidic and polar, with glutamine, which is neutral and polar, at codon 304 of the SOS2 protein (p.Glu304Gln). This variant is not present in population databases (gnomAD no frequency). This variant has not been reported in the literature in individuals affected with SOS2-related conditions. Advanced modeling of protein sequence and biophysical properties (such as structural, functional, and spatial information, amino acid conservation, physicochemical variation, residue mobility, and thermodynamic stability) performed at Invitae indicates that this missense variant is not expected to disrupt SOS2 protein function with a negative predictive value of 95%. In summary, the available evidence is currently insufficient to determine the role of this variant in disease. Therefore, it has been classified as a Variant of Uncertain Significance.

NM_006939.4(SOS2):c.910G>C (p.Glu304Gln)

Gene: SOS2 (SOS Ras/Rho guanine nucleotide exchange factor 2; minus strand). Cytogenetic location: 14q21.3.
Variant type: single nucleotide variant.
Coding change: c.910G>C on transcript NM_006939.4 (MANE Select); coding-DNA position 910, G replaced by C.
Protein change: p.Glu304Gln; replaces glutamic acid 304 with glutamine.
Molecular consequence: missense variant.
Genome position (GRCh38, 1-based): chr14:50,180,631, C>G on the plus strand (G>C on the coding strand, the complement: SOS2 is on the minus strand). VCF-style: chr14-50180631-C-G. GRCh37 (hg19) VCF-style: chr14-50647349-C-G.
Other names: c.910G>C, p.Glu304Gln (NM_001411020.1); short protein forms E304Q.
Identifiers: ClinVar variation 3711333 (VCV003711333.2).
Genomic context (GRCh38, chr14:50,180,631, plus strand): 5'-CCTGAAAGTGTAGAGCAACTGCAGGTCTGGCCATCAATTTATTGAAATGTTCATGAAACT[C>G]TGGTGAAAGAATGTCCTGTGATAATGTTTCATAAGGATCAAATGCTTGCTCCTATTTTTT-3'
Protein context (NP_008870.2, residues 294-314): ETLSQDILSP[Glu304Gln]FHEHFNKLMA